The following is an entry in ClinVar:

NM_001371986.1(UNC80):c.7855C>A (p.Gln2619Lys)

Gene: UNC80 (unc-80 subunit of NALCN channel complex; plus strand). Cytogenetic location: 2q34.
Variant type: single nucleotide variant.
Coding change: c.7855C>A on transcript NM_001371986.1 (MANE Select); coding-DNA position 7855, C replaced by A.
Protein change: p.Gln2619Lys; replaces glutamine 2619 with lysine.
Molecular consequence: missense variant.
Genome position (GRCh38, 1-based): chr2:209,967,486, C>A. VCF-style: chr2-209967486-C-A. GRCh37 (hg19) VCF-style: chr2-210832210-C-A.
Other names: c.7657C>A, p.Gln2553Lys (NM_032504.2); c.7642C>A, p.Gln2548Lys (NM_182587.4); short protein forms Q2553K, Q2548K, Q2619K.
Identifiers: ClinVar variation 1486808 (VCV001486808.8), dbSNP rs2125008959, ClinGen allele CA350777202.
Genomic context (GRCh38, chr2:209,967,486, plus strand): 5'-ATATATTTTAGGTTGGCAGAAATTGCACACTCCCTTCTGAAGCTGGCACCATATGACACT[C>A]AGACAATGGAGAGTCGTGGGCTTCGGCGCTACATCATGGAGATGCTACCCATTACTGACT-3'
Protein context (NP_001358915.1, residues 2609-2629): SLLKLAPYDT[Gln2619Lys]TMESRGLRRY

ClinVar aggregate classification (germline): Uncertain significance (1 of 4 stars; one submission).

Submission:

Labcorp Genetics (formerly Invitae), Labcorp
Classification: Uncertain significance. Last evaluated: 2022-02-04. Review status: criteria provided, single submitter. Criteria: Invitae Variant Classification Sherloc (09022015). Collection method: clinical testing. Allele origin: germline.
Comment: Algorithms developed to predict the effect of missense changes on protein structure and function are either unavailable or do not agree on the potential impact of this missense change (SIFT: "Not Available"; PolyPhen-2: "Possibly Damaging"; Align-GVGD: "Not Available"). This sequence change replaces glutamine, which is neutral and polar, with lysine, which is basic and polar, at codon 2553 of the UNC80 protein (p.Gln2553Lys). This variant is not present in population databases (gnomAD no frequency). This variant has not been reported in the literature in individuals affected with UNC80-related conditions. In summary, the available evidence is currently insufficient to determine the role of this variant in disease. Therefore, it has been classified as a Variant of Uncertain Significance.